The following is an entry in ClinVar:

NM_198053.3(CD247):c.490C>T (p.Arg164Cys)

Gene: CD247 (CD247 molecule; minus strand). Cytogenetic location: 1q24.2.
Variant type: single nucleotide variant.
Coding change: c.490C>T on transcript NM_198053.3 (MANE Select); coding-DNA position 490, C replaced by T.
Protein change: p.Arg164Cys; replaces arginine 164 with cysteine.
Molecular consequence: missense variant.
Genome position (GRCh38, 1-based): chr1:167,431,686, G>A on the plus strand (C>T on the coding strand, the complement: CD247 is on the minus strand). VCF-style: chr1-167431686-G-A. GRCh37 (hg19) VCF-style: chr1-167400923-G-A.
Other names: c.487C>T, p.Arg163Cys (NM_000734.4); c.583C>T, p.Arg195Cys (NM_001378515.1); c.580C>T, p.Arg194Cys (NM_001378516.1); short protein forms R195C, R194C, R164C, R163C.
Identifiers: ClinVar variation 947935 (VCV000947935.5), dbSNP rs752198795, ClinGen allele CA1225856.

ClinVar aggregate classification (germline): Uncertain significance (1 of 4 stars; one submission).

Conditions:
Immunodeficiency 25. Also called: Immunodeficiency due to defect in cd3-zeta, somatic. Identifiers: MedGen C1857798, MONDO:0012426, OMIM 610163.

Allele frequency attached by ClinVar (database versions not stated): gnomAD 0.00001; gnomAD exomes 0.00001; TOPMed 0.00001; ExAC 0.00002.
gnomAD v4.1: 12 of 1,613,036 alleles (0.00074%); highest among the groups gnomAD compares: East Asian, 0.0067%; no homozygotes.

Submission:

Labcorp Genetics (formerly Invitae), Labcorp
Classification: Uncertain significance for Immunodeficiency 25. Last evaluated: 2022-05-12. Review status: criteria provided, single submitter. Criteria: Invitae Variant Classification Sherloc (09022015). Collection method: clinical testing. Allele origin: germline.
Comment: In summary, the available evidence is currently insufficient to determine the role of this variant in disease. Therefore, it has been classified as a Variant of Uncertain Significance. Algorithms developed to predict the effect of missense changes on protein structure and function are either unavailable or do not agree on the potential impact of this missense change (SIFT: "Tolerated"; PolyPhen-2: "Probably Damaging"; Align-GVGD: "Class C0"). ClinVar contains an entry for this variant (Variation ID: 947935). This variant has not been reported in the literature in individuals affected with CD247-related conditions. This variant is present in population databases (rs752198795, gnomAD 0.006%). This sequence change replaces arginine, which is basic and polar, with cysteine, which is neutral and slightly polar, at codon 164 of the CD247 protein (p.Arg164Cys).